The following is an entry in ClinVar:

NM_001378120.1(MBD5):c.4963G>A (p.Val1655Met)

Gene: MBD5 (methyl-CpG binding domain protein 5; plus strand). Cytogenetic location: 2q23.1.
Variant type: single nucleotide variant.
Coding change: c.4963G>A on transcript NM_001378120.1 (MANE Select); coding-DNA position 4963, G replaced by A.
Protein change: p.Val1655Met; replaces valine 1655 with methionine.
Molecular consequence: missense variant.
Genome position (GRCh38, 1-based): chr2:148,502,436, G>A. VCF-style: chr2-148502436-G-A. GRCh37 (hg19) VCF-style: chr2-149260005-G-A.
Other names: c.4264G>A, p.Val1422Met (NM_018328.5); short protein forms V1422M, V1655M.
Identifiers: ClinVar variation 934745 (VCV000934745.10), dbSNP rs957554797, ClinGen allele CA58229185.
Genomic context (GRCh38, chr2:148,502,436, plus strand): 5'-AACCGTGTTTAACAATTACAGGTCTGGGTAATGTGGTTTGGTCTTCATACCTTCACTCAG[G>A]TGGAGCCCGAGAAGTTGAAGACACTAACAGAAGGTTTGGAAGCCTACAGCCGTGTCCGGA-3'
Protein context (NP_001365049.1, residues 1645-1665): SCQQSPEEGK[Val1655Met]EPEKLKTLTE

ClinVar aggregate classification (germline): Uncertain significance (1 of 4 stars; one submission).

Conditions:
Intellectual developmental disorder, autosomal dominant 1. Also called: Intellectual disability, autosomal dominant 1; MBD5 Haploinsufficiency. Identifiers: Orphanet 228402, MedGen C1969562, MONDO:0007974, OMIM 156200.

Allele frequency attached by ClinVar (database versions not stated): gnomAD 0.00001; TOPMed 0.00002; gnomAD exomes 0.00001.
gnomAD v4.1: 8 of 1,613,948 alleles (0.0005%); highest among the groups gnomAD compares: Non-Finnish European, 0.00068%; no homozygotes.

Submission:

Labcorp Genetics (formerly Invitae), Labcorp
Classification: Uncertain significance for Intellectual developmental disorder, autosomal dominant 1. Last evaluated: 2026-01-09. Review status: criteria provided, single submitter. Criteria: Invitae Variant Classification Sherloc (09022015). Collection method: clinical testing. Allele origin: germline.
Comment: This sequence change replaces valine, which is neutral and non-polar, with methionine, which is neutral and non-polar, at codon 1422 of the MBD5 protein (p.Val1422Met). This variant is not present in population databases (gnomAD no frequency). This variant has not been reported in the literature in individuals affected with MBD5-related conditions. ClinVar contains an entry for this variant (Variation ID: 934745). Experimental studies and prediction algorithms are not available or were not evaluated, and the functional significance of this variant is currently unknown. Algorithms developed to predict the effect of sequence changes on RNA splicing suggest that this variant may disrupt the consensus splice site. In summary, the available evidence is currently insufficient to determine the role of this variant in disease. Therefore, it has been classified as a Variant of Uncertain Significance.